The following is an entry in ClinVar:

ClinVar aggregate classification (germline): Uncertain significance (1 of 4 stars; one submission).

Conditions:
Noonan syndrome 9 (NS9). Identifiers: Orphanet 648, MedGen C4225282, MONDO:0014691, OMIM 616559.

gnomAD v4.1: 1 of 1,602,802 alleles (0.000062%); highest among the groups gnomAD compares: South Asian, 0.0011%; no homozygotes.

Submission:

Labcorp Genetics (formerly Invitae), Labcorp
Classification: Uncertain significance for Noonan syndrome 9. Last evaluated: 2024-08-14. Review status: criteria provided, single submitter. Criteria: Invitae Variant Classification Sherloc (09022015). Collection method: clinical testing. Allele origin: germline.
Comment: This sequence change replaces asparagine, which is neutral and polar, with aspartic acid, which is acidic and polar, at codon 57 of the SOS2 protein (p.Asn57Asp). This variant is not present in population databases (gnomAD no frequency). This variant has not been reported in the literature in individuals affected with SOS2-related conditions. Invitae Evidence Modeling of protein sequence and biophysical properties (such as structural, functional, and spatial information, amino acid conservation, physicochemical variation, residue mobility, and thermodynamic stability) indicates that this missense variant is not expected to disrupt SOS2 protein function with a negative predictive value of 95%. In summary, the available evidence is currently insufficient to determine the role of this variant in disease. Therefore, it has been classified as a Variant of Uncertain Significance.

NM_006939.4(SOS2):c.169A>G (p.Asn57Asp)

Gene: SOS2 (SOS Ras/Rho guanine nucleotide exchange factor 2; minus strand). Cytogenetic location: 14q21.3.
Variant type: single nucleotide variant.
Coding change: c.169A>G on transcript NM_006939.4 (MANE Select); coding-DNA position 169, A replaced by G.
Protein change: p.Asn57Asp; replaces asparagine 57 with aspartic acid.
Molecular consequence: missense variant.
Genome position (GRCh38, 1-based): chr14:50,204,328, T>C on the plus strand (A>G on the coding strand, the complement: SOS2 is on the minus strand). VCF-style: chr14-50204328-T-C. GRCh37 (hg19) VCF-style: chr14-50671046-T-C.
Other names: c.169A>G, p.Asn57Asp (NM_001411020.1); short protein forms N57D.
Identifiers: ClinVar variation 3636096 (VCV003636096.2).
Genomic context (GRCh38, chr14:50,204,328, plus strand): 5'-ACAAAATAATTTTTACCTCTACATCTTGAACAGTCCTTGGCTGGGCCATGCATAATTTAT[T>C]AAGCAGCTGAAAAATCAGCTCTTCAATATAATAGAGAGACTCTTCATTAGCTGAGAGAGT-3'
Protein context (NP_008870.2, residues 47-67): YIEELIFQLL[Asn57Asp]KLCMAQPRTV